The following is an entry in ClinVar:

ClinVar aggregate classification (germline): Uncertain significance (1 of 4 stars; one submission).

Conditions:
Epidermolysis bullosa simplex 3, localized or generalized intermediate, with BP230 deficiency (EBS3). Also called: Epidermolysis bullosa simplex due to BP230 deficiency; Epidermolysis bullosa simplex, autosomal recessive 2. Identifiers: Orphanet 412181, MedGen C3809470, MONDO:0014180, OMIM 615425.
Hereditary sensory and autonomic neuropathy type 6. Also called: HSAN VI; Neuropathy, hereditary sensory and autonomic, type VI. Identifiers: Orphanet 314381, MedGen C3539003, MONDO:0013839, OMIM 614653.

Allele frequency attached by ClinVar (database versions not stated): gnomAD exomes below 0.00001 and 0.00001; TOPMed 0.00001.
gnomAD v4.1: 3 of 1,613,392 alleles (0.00019%); highest among the groups gnomAD compares: Admixed American, 0.0017%; no homozygotes.

Submission:

Labcorp Genetics (formerly Invitae), Labcorp
Classification: Uncertain significance for Epidermolysis bullosa simplex 3, localized or generalized intermediate, with BP230 deficiency; Hereditary sensory and autonomic neuropathy type 6. Last evaluated: 2022-05-16. Review status: criteria provided, single submitter. Criteria: Invitae Variant Classification Sherloc (09022015). Collection method: clinical testing. Allele origin: germline.
Comment: The DST gene has multiple clinically relevant transcripts. This variant occurs in alternate transcript NM_015548.4, and corresponds to NM_001723.5:c.*97945A>G in the primary transcript. In summary, the available evidence is currently insufficient to determine the role of this variant in disease. Therefore, it has been classified as a Variant of Uncertain Significance. Experimental studies and prediction algorithms are not available or were not evaluated, and the functional significance of this variant is currently unknown. This variant has not been reported in the literature in individuals affected with DST-related conditions. This variant is present in population databases (no rsID available, gnomAD 0.0009%). This sequence change replaces lysine, which is basic and polar, with glutamic acid, which is acidic and polar, at codon 3437 of the DST protein (p.Lys3437Glu).

NM_001374736.1(DST):c.18178A>G (p.Lys6060Glu)

Gene: DST (dystonin; minus strand). Cytogenetic location: 6p12.1.
Variant type: single nucleotide variant.
Coding change: c.18178A>G on transcript NM_001374736.1 (MANE Select); coding-DNA position 18178, A replaced by G.
Protein change: p.Lys6060Glu; replaces lysine 6060 with glutamic acid.
Molecular consequence: missense variant.
Genome position (GRCh38, 1-based): chr6:56,517,572, T>C on the plus strand (A>G on the coding strand, the complement: DST is on the minus strand). VCF-style: chr6-56517572-T-C. GRCh37 (hg19) VCF-style: chr6-56382370-T-C.
Other names: c.10309A>G, p.Lys3437Glu (NM_015548.5); c.11287A>G, p.Lys3763Glu (NM_183380.4, NM_001386100.1); c.11821A>G, p.Lys3941Glu (NM_001144769.5); c.11407A>G, p.Lys3803Glu (NM_001144770.2); c.18178A>G, p.Lys6060Glu (NM_001374722.1); c.17218A>G, p.Lys5740Glu (NM_001374729.1); c.10960A>G, p.Lys3654Glu (NM_001374730.1); c.18205A>G, p.Lys6069Glu (NM_001374734.1); short protein forms K3437E, K3803E, K6069E, K3763E, K3941E, K5740E, K6060E, K3654E.
Identifiers: ClinVar variation 1437846 (VCV001437846.6), dbSNP rs948369942, ClinGen allele CA139181710.